The following is an entry in ClinVar:

ClinVar aggregate classification (germline): Uncertain significance. Review status: criteria provided, multiple submitters, no conflicts (2 of 4 stars). 2 submissions from 2 submitters: Uncertain significance (2). Last evaluated 2024-11-17.

Allele frequency attached by ClinVar (database versions not stated): gnomAD 0.00001; TOPMed 0.00001.
gnomAD v4.1: 13 of 1,612,956 alleles (0.00081%); highest among the groups gnomAD compares: South Asian, 0.0022%; no homozygotes.

Submissions (2):

Ambry Genetics
Classification: Uncertain significance. Last evaluated: 2024-11-17. Review status: criteria provided, single submitter. Criteria: Ambry Variant Classification Scheme 2023. Collection method: clinical testing. Allele origin: germline.
Comment: The p.C49R variant (also known as c.145T>C), located in coding exon 2 of the RECQL gene, results from a T to C substitution at nucleotide position 145. The cysteine at codon 49 is replaced by arginine, an amino acid with highly dissimilar properties. This amino acid position is conserved. In addition, this alteration is predicted to be tolerated by in silico analysis. Since supporting evidence is limited at this time, the clinical significance of this alteration remains unclear.

Labcorp Genetics (formerly Invitae), Labcorp
Classification: Uncertain significance. Last evaluated: 2023-08-02. Review status: criteria provided, single submitter. Criteria: Invitae Variant Classification Sherloc (09022015). Collection method: clinical testing. Allele origin: germline.
Comment: In summary, the available evidence is currently insufficient to determine the role of this variant in disease. Therefore, it has been classified as a Variant of Uncertain Significance. An algorithm developed to predict the effect of missense changes on protein structure and function (PolyPhen-2) suggests that this variant is likely to be tolerated. ClinVar contains an entry for this variant (Variation ID: 1773137). This variant has not been reported in the literature in individuals affected with RECQL-related conditions. This variant is present in population databases (no rsID available, gnomAD 0.003%). This sequence change replaces cysteine, which is neutral and slightly polar, with arginine, which is basic and polar, at codon 49 of the RECQL protein (p.Cys49Arg).

NM_002907.4(RECQL):c.145T>C (p.Cys49Arg)

Gene: RECQL (RecQ like helicase; minus strand). Cytogenetic location: 12p12.1.
Variant type: single nucleotide variant.
Coding change: c.145T>C on transcript NM_002907.4 (MANE Select); coding-DNA position 145, T replaced by C.
Protein change: p.Cys49Arg; replaces cysteine 49 with arginine.
Molecular consequence: missense variant.
Genome position (GRCh38, 1-based): chr12:21,491,588, A>G on the plus strand (T>C on the coding strand, the complement: RECQL is on the minus strand). VCF-style: chr12-21491588-A-G. GRCh37 (hg19) VCF-style: chr12-21644522-A-G.
Other names: c.145T>C, p.Cys49Arg (NM_032941.3); short protein forms C49R.
Identifiers: ClinVar variation 1773137 (VCV001773137.6), dbSNP rs761799998, ClinGen allele CA384134410.